The following is an entry in ClinVar:

NM_001257293.2(HNRNPH1):c.716G>T (p.Gly239Val)

Genes: HNRNPH1 (heterogeneous nuclear ribonucleoprotein H1; minus strand), LOC128966623 (uncharacterized protein C5orf60; plus strand). Cytogenetic location: 5q35.3.
Variant type: single nucleotide variant.
Coding change: c.716G>T on transcript NM_001257293.2 (MANE Select); coding-DNA position 716, G replaced by T.
Protein change: p.Gly239Val; replaces glycine 239 with valine.
Molecular consequence: missense variant. On other transcripts: intron variant (1).
Genome position (GRCh38, 1-based): chr5:179,618,060, C>A on the plus strand (G>T on the coding strand, the complement: HNRNPH1 is on the minus strand). VCF-style: chr5-179618060-C-A. GRCh37 (hg19) VCF-style: chr5-179045061-C-A.
Other names: c.716G>T, p.Gly239Val (NM_001363572.2, NM_001364225.2, NM_001364226.2 and 36 more transcripts); c.560G>T, p.Gly187Val (NM_001364250.2); c.113G>T, p.Gly38Val (NM_001364251.2, NM_001364252.2, NM_001364253.2 and 4 more transcripts); c.485G>T, p.Gly162Val (NM_001395190.1); c.398G>T, p.Gly133Val (NM_001395191.1, NM_001395192.1); c.398-149G>T (NM_001395193.1); short protein forms G133V, G162V, G187V, G239V, G38V.
Identifiers: ClinVar variation 1695879 (VCV001695879.2), dbSNP rs2127633282, ClinGen allele CA362438182.
Genomic context (GRCh38, chr5:179,618,060, plus strand): 5'-CTATCTGACCCAAATCCATAGCCATCATTATAGCCATTGTAATCATCATAGCCTCCATAG[C>A]CTGAAAGACAAAGTACAATCAATCAAATAAAACACCTAGACAAAGGAACAGACGACTTGC-3'
Protein context (NP_001244222.1, residues 229-249): ERMRRGAYGG[Gly239Val]YGGYDDYNGY

ClinVar aggregate classification (germline): Uncertain significance (1 of 4 stars; one submission).

Submission:

GeneDx
Classification: Uncertain significance. Last evaluated: 2022-01-06. Review status: criteria provided, single submitter. Criteria: GeneDx Variant Classification Process June 2021. Collection method: clinical testing. Allele origin: germline. Affected: yes.
Comment: Has not been previously published as pathogenic or benign to our knowledge; Not observed at significant frequency in large population cohorts (gnomAD); In silico analysis supports that this missense variant has a deleterious effect on protein structure/function